The following is an entry in ClinVar:

ClinVar aggregate classification (germline): Uncertain significance (1 of 4 stars; one submission).

Submission:

GeneDx
Classification: Uncertain significance. Last evaluated: 2022-12-01. Review status: criteria provided, single submitter. Criteria: GeneDx Variant Classification Process June 2021. Collection method: clinical testing. Allele origin: germline. Affected: yes.
Comment: Not observed at significant frequency in large population cohorts (gnomAD); In silico analysis supports that this missense variant does not alter protein structure/function; Has not been previously published as pathogenic or benign to our knowledge

NM_001080476.3(GRXCR1):c.866C>A (p.Ala289Asp)

Gene: GRXCR1 (glutaredoxin and cysteine rich domain containing 1; plus strand). Cytogenetic location: 4p13.
Variant type: single nucleotide variant.
Coding change: c.866C>A on transcript NM_001080476.3 (MANE Select); coding-DNA position 866, C replaced by A.
Protein change: p.Ala289Asp; replaces alanine 289 with aspartic acid.
Molecular consequence: missense variant.
Genome position (GRCh38, 1-based): chr4:43,030,533, C>A. VCF-style: chr4-43030533-C-A. GRCh37 (hg19) VCF-style: chr4-43032550-C-A.
Other names: short protein forms A289D.
Identifiers: ClinVar variation 2504192 (VCV002504192.1), dbSNP rs1713394486, ClinGen allele CA356792074.